The following is an entry in ClinVar:

ClinVar aggregate classification (germline): Uncertain significance. Review status: criteria provided, multiple submitters, no conflicts (2 of 4 stars). 2 submissions from 2 submitters: Uncertain significance (2). Last evaluated 2024-06-09.

Conditions:
Autosomal dominant nonsyndromic hearing loss 6 (LFSNHL). Also called: Autosomal dominant nonsyndromic deafness 6; DEAFNESS, AUTOSOMAL DOMINANT 6; DEAFNESS, AUTOSOMAL DOMINANT 14; DEAFNESS, AUTOSOMAL DOMINANT 38. Identifiers: Orphanet 90635, MedGen C1833021, MONDO:0010963, OMIM 600965.
Type 2 diabetes mellitus. Also called: Type II diabetes mellitus. Identifiers: MedGen C0011860, MeSH D003924, MONDO:0005148, OMIM 125853, HP:0005978.
Wolfram syndrome 1 (WFS1). Identifiers: Orphanet 3463, MedGen C4551693, MONDO:0009101, OMIM 222300.
Wolfram-like syndrome. Also called: HEARING LOSS, PROGRESSIVE, WITH OPTIC ATROPHY AND/OR IMPAIRED GLUCOSE REGULATION. Identifiers: Orphanet 411590, MedGen C3280358, MONDO:0013673, OMIM 614296.
Cataract 41 (CTRCT41). Also called: CATARACT 41, CONGENITAL NUCLEAR TYPE. Identifiers: Orphanet 91492, Orphanet 98991, Orphanet 98992, Orphanet 98995, MedGen C3805412, MONDO:0007287, OMIM 116400.

gnomAD v4.1: 1 of 1,612,604 alleles (0.000062%); highest among the groups gnomAD compares: Non-Finnish European, 0.000085%; no homozygotes.

Submissions (2):

Fulgent Genetics
Classification: Uncertain significance for Cataract 41; Type 2 diabetes mellitus; Wolfram syndrome 1; Autosomal dominant nonsyndromic hearing loss 6; Wolfram-like syndrome. Last evaluated: 2024-06-09. Review status: criteria provided, single submitter. Criteria: ACMG Guidelines, 2015. Collection method: clinical testing. Allele origin: germline.

Labcorp Genetics (formerly Invitae), Labcorp
Classification: Uncertain significance. Last evaluated: 2022-04-10. Review status: criteria provided, single submitter. Criteria: Invitae Variant Classification Sherloc (09022015). Collection method: clinical testing. Allele origin: germline.
Comment: In summary, the available evidence is currently insufficient to determine the role of this variant in disease. Therefore, it has been classified as a Variant of Uncertain Significance. Advanced modeling of protein sequence and biophysical properties (such as structural, functional, and spatial information, amino acid conservation, physicochemical variation, residue mobility, and thermodynamic stability) performed at Invitae indicates that this missense variant is expected to disrupt WFS1 protein function. This variant has not been reported in the literature in individuals affected with WFS1-related conditions. The frequency data for this variant in the population databases is considered unreliable, as metrics indicate poor data quality at this position in the gnomAD database. This sequence change replaces cysteine, which is neutral and slightly polar, with arginine, which is basic and polar, at codon 847 of the WFS1 protein (p.Cys847Arg).

NM_006005.3(WFS1):c.2539T>C (p.Cys847Arg)

Gene: WFS1 (wolframin ER transmembrane glycoprotein; plus strand). Cytogenetic location: 4p16.1.
Variant type: single nucleotide variant.
Coding change: c.2539T>C on transcript NM_006005.3 (MANE Select); coding-DNA position 2539, T replaced by C.
Protein change: p.Cys847Arg; replaces cysteine 847 with arginine.
Molecular consequence: missense variant.
Genome position (GRCh38, 1-based): chr4:6,302,334, T>C. VCF-style: chr4-6302334-T-C. GRCh37 (hg19) VCF-style: chr4-6304061-T-C.
Other names: c.2539T>C, p.Cys847Arg (NM_001145853.1); short protein forms C847R.
Identifiers: ClinVar variation 2146414 (VCV002146414.5), dbSNP rs1401569224, ClinGen allele CA356179168.